The following is an entry in ClinVar:

NM_032638.5(GATA2):c.67G>T (p.Asp23Tyr)

Gene: GATA2 (GATA binding protein 2; minus strand). Cytogenetic location: 3q21.3.
Variant type: single nucleotide variant.
Coding change: c.67G>T on transcript NM_032638.5 (MANE Select); coding-DNA position 67, G replaced by T.
Protein change: p.Asp23Tyr; replaces aspartic acid 23 with tyrosine.
Molecular consequence: missense variant.
Genome position (GRCh38, 1-based): chr3:128,486,965, C>A on the plus strand (G>T on the coding strand, the complement: GATA2 is on the minus strand). VCF-style: chr3-128486965-C-A. GRCh37 (hg19) VCF-style: chr3-128205808-C-A.
Other names: c.67G>T, p.Asp23Tyr (NM_001145661.2, NM_001145662.1); short protein forms D23Y.
Identifiers: ClinVar variation 958638 (VCV000958638.10), dbSNP rs760183425, ClinGen allele CA354409070.

ClinVar aggregate classification (germline): Uncertain significance. Review status: criteria provided, multiple submitters, no conflicts (2 of 4 stars). 2 submissions from 2 submitters: Uncertain significance (2). Last evaluated 2026-06-30.

Conditions:
Inborn genetic diseases. Identifiers: MedGen C0950123, MeSH D030342.
Deafness-lymphedema-leukemia syndrome. Also called: Lymphedema, primary, with myelodysplasia; Emberger syndrome. Identifiers: Orphanet 3226, MedGen C3279664, MONDO:0013540, OMIM 614038.
Monocytopenia with susceptibility to infections. Also called: COMBINED IMMUNODEFICIENCY WITH SUSCEPTIBILITY TO MYCOBACTERIAL, VIRAL, AND FUNGAL INFECTIONS; MONOCYTOPENIA AND MYCOBACTERIAL INFECTION SYNDROME; MONOCYTOPENIA WITH SUSCEPTIBILITY TO MYCOBACTERIAL, FUNGAL, AND PAPILLOMAVIRUS INFECTIONS AND MYELODYSPLASIA; Dendritic cell, monocyte, B lymphocyte, and natural killer lymphocyte deficiency; IMMUNODEFICIENCY 21; GATA2 DEFICIENCY. Identifiers: Orphanet 228423, MedGen C3280030, MONDO:0013607, OMIM 614172.

Submissions (2):

Ambry Genetics
Classification: Uncertain significance for Inborn genetic diseases. Last evaluated: 2026-06-30. Review status: criteria provided, single submitter. Criteria: Ambry Variant Classification Scheme 2023. Collection method: clinical testing. Allele origin: germline.
Comment: The p.D23Y variant (also known as c.67G>T), located in coding exon 1 of the GATA2 gene, results from a G to T substitution at nucleotide position 67. The aspartic acid at codon 23 is replaced by tyrosine, an amino acid with highly dissimilar properties. This amino acid position is well conserved in available vertebrate species. In addition, this alteration is predicted to be deleterious by in silico analysis. Based on the available evidence, the clinical significance of this variant remains unclear.

Labcorp Genetics (formerly Invitae), Labcorp
Classification: Uncertain significance for Monocytopenia with susceptibility to infections; Deafness-lymphedema-leukemia syndrome. Last evaluated: 2020-08-31. Review status: criteria provided, single submitter. Criteria: Invitae Variant Classification Sherloc (09022015). Collection method: clinical testing. Allele origin: germline.
Comment: In summary, the available evidence is currently insufficient to determine the role of this variant in disease. Therefore, it has been classified as a Variant of Uncertain Significance. Algorithms developed to predict the effect of missense changes on protein structure and function are either unavailable or do not agree on the potential impact of this missense change (SIFT: "Deleterious"; PolyPhen-2: "Possibly Damaging"; Align-GVGD: "Class C0"). This variant has not been reported in the literature in individuals with GATA2-related conditions. This variant is not present in population databases (ExAC no frequency). This sequence change replaces aspartic acid with tyrosine at codon 23 of the GATA2 protein (p.Asp23Tyr). The aspartic acid residue is moderately conserved and there is a large physicochemical difference between aspartic acid and tyrosine.